The following is an entry in ClinVar:

NM_133636.5(HELQ):c.224T>A (p.Leu75His)

Genes: HELQ (helicase, POLQ like; minus strand), LOC112997542 (Sharpr-MPRA regulatory region 5990; plus strand). Cytogenetic location: 4q21.23.
Variant type: single nucleotide variant.
Coding change: c.224T>A on transcript NM_133636.5 (MANE Select); coding-DNA position 224, T replaced by A.
Protein change: p.Leu75His; replaces leucine 75 with histidine.
Molecular consequence: missense variant. On other transcripts: 5 prime UTR variant (2), non-coding transcript variant (1), intron variant (1).
Genome position (GRCh38, 1-based): chr4:83,455,470, A>T on the plus strand (T>A on the coding strand, the complement: HELQ is on the minus strand). VCF-style: chr4-83455470-A-T. GRCh37 (hg19) VCF-style: chr4-84376623-A-T.
Other names: c.224T>A, p.Leu75His (NM_001297755.2, NM_001297759.2); c.-1281T>A (NM_001297756.2); c.-1311T>A (NM_001297757.2); c.186+38T>A (NM_001297758.2); short protein forms L75H.
Identifiers: ClinVar variation 3037678 (VCV003037678.2), dbSNP rs747239755, ClinGen allele CA2990047.
Genomic context (GRCh38, chr4:83,455,470, plus strand): 5'-CCTCTGTCAGTGGGCATGTGACGTAGGAGGTCCGGGTTTGTATCACCACCTCCAAGGACG[A>T]GACATTCCGGGGAATCTGAGAGTAGAAGGGGCTGTACCTCAACCGGCAGTACGCCCGCGG-3'
Protein context (NP_598375.3, residues 65-85): PLLLSDSPEC[Leu75His]VLGGGDTNPD

ClinVar aggregate classification (germline): Likely benign (0 of 4 stars; one submission).

Conditions:
HELQ-related disorder. Also called: HELQ-related condition.

Allele frequency attached by ClinVar (database versions not stated): gnomAD 0.00002; TOPMed 0.00011; ExAC 0.00021.
gnomAD v4.1: 77 of 1,614,090 alleles (0.0048%); highest among the groups gnomAD compares: Admixed American, 0.13%; no homozygotes.

Submission:

PreventionGenetics, part of Exact Sciences
Classification: Likely benign for HELQ-related condition. Last evaluated: 2022-08-09. Review status: no assertion criteria provided. Collection method: clinical testing. Allele origin: germline.
Comment: This variant is classified as likely benign based on ACMG/AMP sequence variant interpretation guidelines (Richards et al. 2015 PMID: 25741868, with internal and published modifications).